The following is an entry in ClinVar:

NM_014714.4(IFT140):c.3245A>T (p.Asp1082Val)

Gene: IFT140 (intraflagellar transport 140; minus strand). Cytogenetic location: 16p13.3.
Variant type: single nucleotide variant.
Coding change: c.3245A>T on transcript NM_014714.4 (MANE Select); coding-DNA position 3245, A replaced by T.
Protein change: p.Asp1082Val; replaces aspartic acid 1082 with valine.
Molecular consequence: missense variant.
Genome position (GRCh38, 1-based): chr16:1,523,853, T>A on the plus strand (A>T on the coding strand, the complement: IFT140 is on the minus strand). VCF-style: chr16-1523853-T-A. GRCh37 (hg19) VCF-style: chr16-1573854-T-A.
Other names: short protein forms D1082V.
Identifiers: ClinVar variation 1304541 (VCV001304541.4), dbSNP rs781204391, ClinGen allele CA7813244.

ClinVar aggregate classification (germline): Uncertain significance. Review status: criteria provided, multiple submitters, no conflicts (2 of 4 stars). 2 submissions from 2 submitters: Uncertain significance (2). Last evaluated 2022-02-23.

Conditions:
Saldino-Mainzer syndrome (SRTD9). Also called: CONORENAL SYNDROME; Renal dysplasia, retinal pigmentary dystrophy, cerebellar ataxia and skeletal dysplasia; SHORT-RIB THORACIC DYSPLASIA 9 WITHOUT POLYDACTYLY; short-rib thoracic dysplasia 9 with or without polydactyly. Identifiers: Orphanet 140969, MedGen C1849437, MONDO:0009964, OMIM 266920.

Allele frequency attached by ClinVar (database versions not stated): gnomAD exomes below 0.00001 and 0.00001; ExAC 0.00001; TOPMed 0.00001.
gnomAD v4.1: 9 of 1,613,406 alleles (0.00056%); highest among the groups gnomAD compares: Non-Finnish European, 0.00076%; no homozygotes.

Submissions (2):

Labcorp Genetics (formerly Invitae), Labcorp
Classification: Uncertain significance for Saldino-Mainzer syndrome. Last evaluated: 2022-02-23. Review status: criteria provided, single submitter. Criteria: Invitae Variant Classification Sherloc (09022015). Collection method: clinical testing. Allele origin: germline.
Comment: This sequence change replaces aspartic acid, which is acidic and polar, with valine, which is neutral and non-polar, at codon 1082 of the IFT140 protein (p.Asp1082Val). This variant is present in population databases (rs781204391, gnomAD 0.0009%). This missense change has been observed in individual(s) with short stature (PMID: 29758562). ClinVar contains an entry for this variant (Variation ID: 1304541). Algorithms developed to predict the effect of missense changes on protein structure and function are either unavailable or do not agree on the potential impact of this missense change (SIFT: "Deleterious"; PolyPhen-2: "Probably Damaging"; Align-GVGD: "Class C0"). Algorithms developed to predict the effect of sequence changes on RNA splicing suggest that this variant may create or strengthen a splice site. In summary, the available evidence is currently insufficient to determine the role of this variant in disease. Therefore, it has been classified as a Variant of Uncertain Significance.

GeneDx
Classification: Uncertain significance. Last evaluated: 2019-11-25. Review status: criteria provided, single submitter. Criteria: GeneDx Variant Classification Process June 2021. Collection method: clinical testing. Allele origin: germline. Affected: yes.
Comment: Not observed at a significant frequency in large population cohorts (Lek et al., 2016); In silico analysis, which includes protein predictors and evolutionary conservation, supports a deleterious effect; This variant is associated with the following publications: (PMID: 29758562)

Literature cited by the submitters: PubMed 29758562 (cited by Labcorp Genetics (formerly Invitae), Labcorp).